The following is an entry in ClinVar:

ClinVar aggregate classification (germline): Uncertain significance (1 of 4 stars; one submission).

Submission:

Women's Health and Genetics/Laboratory Corporation of America, LabCorp
Classification: Uncertain significance. Last evaluated: 2024-05-09. Review status: criteria provided, single submitter. Criteria: LabCorp Variant Classification Summary - May 2015. Collection method: clinical testing. Allele origin: germline.
Comment: Variant summary: CYP11B2 c.596-8_596-7delinsAG alters a nucleotide located close to a canonical splice site and therefore could affect mRNA splicing, leading to a significantly altered protein sequence. Several computational tools predict a significant impact on normal splicing: Four predict the variant abolishes a 3' acceptor site. However, these predictions have yet to be confirmed by functional studies. The variant was absent in 249188 control chromosomes. The available data on variant occurrences in the general population are insufficient to allow any conclusion about variant significance. To our knowledge, no occurrence of c.596-8_596-7delinsAG in individuals affected with Familial Hypoaldosteronism and no experimental evidence demonstrating its impact on protein function have been reported. No submitters have cited clinical-significance assessments for this variant to ClinVar. Based on the evidence outlined above, the variant was classified as uncertain significance.

NM_000498.3(CYP11B2):c.596-8_596-7delinsAG

Genes: CYP11B2 (cytochrome P450 family 11 subfamily B member 2; minus strand), LOC106799834 (CYP11B2 recombination region; plus strand). Cytogenetic location: 8q24.3.
Variant type: Indel.
Coding change: c.596-8_596-7delinsAG on transcript NM_000498.3 (MANE Select); 8 bases into the intron before coding-DNA position 596 through 7 bases into the intron before coding-DNA position 596, CC replaced by AG.
Molecular consequence: intron variant.
Genome position (GRCh38, 1-based): chr8:142,914,915-142,914,916, GG replaced by CT on the plus strand (CC replaced by AG on the coding strand, the reverse complement: CYP11B2 is on the minus strand). VCF-style: chr8-142914915-GG-CT. GRCh37 (hg19) VCF-style: chr8-143996331-GG-CT.
Identifiers: ClinVar variation 3336078 (VCV003336078.1).